The following is an entry in ClinVar:

ClinVar aggregate classification (germline): Conflicting classifications of pathogenicity. Review status: criteria provided, conflicting classifications (1 of 4 stars). 2 submissions from 2 submitters: Uncertain significance (1); Likely benign (1). Last evaluated 2026-01-22.

Conditions:
Spondylometaphyseal dysplasia-cone-rod dystrophy syndrome. Identifiers: Orphanet 85167, MedGen C1837073, MONDO:0012160, OMIM 608940.

Allele frequency attached by ClinVar (database versions not stated): gnomAD 0.00003; TOPMed 0.00007; gnomAD exomes 0.00011 and 0.00022; ExAC 0.00012.
gnomAD v4.1: 68 of 1,614,210 alleles (0.0042%); highest among the groups gnomAD compares: Admixed American, 0.11%; no homozygotes.

Submissions (2):

Labcorp Genetics (formerly Invitae), Labcorp
Classification: Likely benign. Last evaluated: 2026-01-22. Review status: criteria provided, single submitter. Criteria: Invitae Variant Classification Sherloc (09022015). Collection method: clinical testing. Allele origin: germline.

Baylor Genetics
Classification: Uncertain significance for Spondylometaphyseal dysplasia-cone-rod dystrophy syndrome. Last evaluated: 2018-05-24. Review status: criteria provided, single submitter. Criteria: ACMG Guidelines, 2015. Collection method: clinical testing. Allele origin: maternal. Affected: yes.
Comment: This variant was determined to be of uncertain significance according to ACMG Guidelines, 2015 [PMID:25741868].

NM_001312673.2(PCYT1A):c.389A>G (p.Asn130Ser)

Genes: PCYT1A (phosphate cytidylyltransferase 1A, choline; minus strand), LOC126806932 (BRD4-independent group 4 enhancer GRCh37_chr3:195973646-195974845; plus strand). Cytogenetic location: 3q29.
Variant type: single nucleotide variant.
Coding change: c.389A>G on transcript NM_001312673.2 (MANE Select); coding-DNA position 389, A replaced by G.
Protein change: p.Asn130Ser; replaces asparagine 130 with serine.
Molecular consequence: missense variant.
Genome position (GRCh38, 1-based): chr3:196,247,464, T>C on the plus strand (A>G on the coding strand, the complement: PCYT1A is on the minus strand). VCF-style: chr3-196247464-T-C. GRCh37 (hg19) VCF-style: chr3-195974335-T-C.
Other names: c.389A>G, p.Asn130Ser (NM_005017.4); short protein forms N130S.
Identifiers: ClinVar variation 1032964 (VCV001032964.8), dbSNP rs760919068, ClinGen allele CA2779539.